The following is an entry in ClinVar:

ClinVar aggregate classification (germline): Likely benign. Review status: criteria provided, multiple submitters, no conflicts (2 of 4 stars). 6 submissions from 6 submitters: Likely benign (6). Last evaluated 2026-03-31.

Conditions:
Cardiovascular phenotype. Identifiers: MedGen CN230736.
Brugada syndrome. Also called: Sudden unexpected nocturnal death syndrome; Sudden Unexplained Death Syndrome; Sudden Unexplained Nocturnal Death Syndrome (SUNDS); Sudden unexplained nocturnal death syndrome. Identifiers: Orphanet 130, MedGen C1142166, MONDO:0015263.
SCN10A-related disorder. Also called: SCN10A-related condition.
Episodic pain syndrome, familial, 2 (FEPS2). Identifiers: Orphanet 306577, MedGen C3809893, MONDO:0014246, OMIM 615551.

Allele frequency attached by ClinVar (database versions not stated): gnomAD 0.00013 and 0.00021; TOPMed 0.00014; gnomAD exomes 0.00031 and 0.00035; ExAC 0.00042; 1000 Genomes Project 0.00060; 1000 Genomes Project 30x 0.00078.

Submissions (6):

PreventionGenetics, part of Exact Sciences
Classification: Likely benign for SCN10A-related condition. Last evaluated: 2026-03-31. Review status: criteria provided, single submitter. Criteria: ACMG Guidelines, 2015. Collection method: clinical testing. Allele origin: germline.
Comment: This variant is classified as likely benign based on ACMG/AMP sequence variant interpretation guidelines (Richards et al. 2015 PMID: 25741868, with internal and published modifications).

Labcorp Genetics (formerly Invitae), Labcorp
Classification: Likely benign for Brugada syndrome. Last evaluated: 2026-01-11. Review status: criteria provided, single submitter. Criteria: Invitae Variant Classification Sherloc (09022015). Collection method: clinical testing. Allele origin: germline.

Blueprint Genetics
Classification: Likely benign. Last evaluated: 2024-11-23. Review status: criteria provided, single submitter. Criteria: ACMG Guidelines, 2015. Collection method: clinical testing. Allele origin: germline.

Women's Health and Genetics/Laboratory Corporation of America, LabCorp
Classification: Likely benign. Last evaluated: 2024-06-09. Review status: criteria provided, single submitter. Criteria: LabCorp Variant Classification Summary - May 2015. Collection method: clinical testing. Allele origin: germline.

Fulgent Genetics
Classification: Likely benign for Episodic pain syndrome, familial, 2. Last evaluated: 2021-09-21. Review status: criteria provided, single submitter. Criteria: ACMG Guidelines, 2015. Collection method: clinical testing. Allele origin: unknown.

Ambry Genetics
Classification: Likely benign for Cardiovascular phenotype. Last evaluated: 2019-05-28. Review status: criteria provided, single submitter. Criteria: Ambry Variant Classification Scheme 2023. Collection method: clinical testing. Allele origin: germline.

NM_006514.4(SCN10A):c.2737G>A (p.Ala913Thr)

Gene: SCN10A (sodium voltage-gated channel alpha subunit 10; minus strand). Cytogenetic location: 3p22.2.
Variant type: single nucleotide variant.
Coding change: c.2737G>A on transcript NM_006514.4 (MANE Select); coding-DNA position 2737, G replaced by A.
Protein change: p.Ala913Thr; replaces alanine 913 with threonine.
Molecular consequence: missense variant.
Genome position (GRCh38, 1-based): chr3:38,726,956, C>T on the plus strand (G>A on the coding strand, the complement: SCN10A is on the minus strand). VCF-style: chr3-38726956-C-T. GRCh37 (hg19) VCF-style: chr3-38768447-C-T.
Other names: c.2737G>A, p.Ala913Thr (NM_001293306.2); c.2443G>A, p.Ala815Thr (NM_001293307.2); short protein forms A815T, A913T.
Identifiers: ClinVar variation 695801 (VCV000695801.16), dbSNP rs201054824, ClinGen allele CA2320443.